The following is an entry in ClinVar:

NM_001165963.4(SCN1A):c.5020_5025del (p.Gly1674_Leu1675del)

Genes: SCN1A (sodium voltage-gated channel alpha subunit 1; minus strand), LOC102724058 (uncharacterized LOC102724058; plus strand). Cytogenetic location: 2q24.3.
Variant type: Deletion.
Coding change: c.5020_5025del on transcript NM_001165963.4 (MANE Select); coding-DNA positions 5020 to 5025, 6 bases deleted (GGCCTC; older notation c.5020_5025delGGCCTC).
Protein change: p.Gly1674_Leu1675del.
Molecular consequence: inframe deletion. On other transcripts: non-coding transcript variant (1).
Genome position (GRCh38, 1-based): chr2:165,992,250-165,992,255, GAGGCC deleted on the plus strand (GGCCTC on the coding strand, the reverse complement: SCN1A is on the minus strand); deleting any 6 consecutive bases within chr2:165,992,250-165,992,257 gives the same sequence; the c. name uses the placement nearest the transcript's 3' end. VCF-style (leftmost placement, unchanged base first): chr2-165992249-GGAGGCC-G. GRCh37 (hg19) VCF-style: chr2-166848759-GGAGGCC-G.
Other names: c.4936_4941del, p.Gly1646_Leu1647del (NM_001165964.3, NM_001353957.2, NM_001353958.2); c.5020_5025del, p.Gly1674_Leu1675del (NM_001202435.3, NM_001353948.2); c.4987_4992del, p.Gly1663_Leu1664del (NM_001353949.2, NM_001353950.2, NM_001353951.2 and 2 more transcripts); c.4984_4989del, p.Gly1662_Leu1663del (NM_001353954.2, NM_001353955.2); c.4933_4938del, p.Gly1645_Leu1646del (NM_001353960.2); c.2578_2583del, p.Gly860_Leu861del (NM_001353961.2).
Identifiers: ClinVar variation 208409 (VCV000208409.1), dbSNP rs797044982, ClinGen allele CA319667.

ClinVar aggregate classification (germline): Pathogenic (1 of 4 stars; one submission).

Submission:

GeneDx
Classification: Pathogenic. Last evaluated: 2012-12-11. Review status: criteria provided, single submitter. Criteria: GeneDx Variant Classification (06012015). Collection method: clinical testing. Allele origin: germline. Affected: yes.
Comment: c.5020_5025delGGCCTC: p.Gly1674_Leu1675del (G1674_L1675del) in exon 26 of the SCN1A gene (NM_006920.4). The normal sequence with the bases that are deleted in braces is: CATC{GGCCTC}CTAC. The c.5020_5025delGGCCTC mutation in the SCN1A gene has not been published as a mutation, nor has it been reported as a benign polymorphism to our knowledge. It results in an in-frame deletion of two highly conserved amino acids in the fifth segment of the fourth transmembrane domain of the protein, including the Glycine 1674 and Leucine 1675 residues. De novo missense mutations at these amino acid residues (Gly1674Arg and Leu1675Arg) have been previously published in association with SCN1A-related disorders, confirming the functional importance of this region of the protein (Ohmori et al., 2003; Depienne et al., 2009). Therefore, c.5020_5025delGGCCTC is considered a mutation, and its presence is consistent with a diagnosis of an SCN1A-related disorder. The variant is found in INFANT-EPI panel(s).